The following is an entry in ClinVar:

ClinVar aggregate classification (germline): Uncertain significance (1 of 4 stars; one submission).

Conditions:
Alstrom syndrome (ALMS). Identifiers: Orphanet 64, MedGen C0268425, MONDO:0008763, OMIM 203800.

Submission:

Labcorp Genetics (formerly Invitae), Labcorp
Classification: Uncertain significance for Alstrom syndrome. Last evaluated: 2025-03-03. Review status: criteria provided, single submitter. Criteria: Invitae Variant Classification Sherloc (09022015). Collection method: clinical testing. Allele origin: germline.
Comment: This variant, c.77_78ins21, results in the insertion of 7 amino acid(s) of the ALMS1 protein (p.Glu23_Glu29dup), but otherwise preserves the integrity of the reading frame. This variant is not present in population databases (gnomAD no frequency). This variant has not been reported in the literature in individuals affected with ALMS1-related conditions. ClinVar contains an entry for this variant (Variation ID: 1414745). Experimental studies and prediction algorithms are not available or were not evaluated, and the functional significance of this variant is currently unknown. In summary, the available evidence is currently insufficient to determine the role of this variant in disease. Therefore, it has been classified as a Variant of Uncertain Significance.

NM_001378454.1(ALMS1):c.74_75insGGAAGAGGAGGAGGAGGAGGA (p.Glu22_Glu28dup)

Gene: ALMS1 (ALMS1 centrosome and basal body associated protein; plus strand). Cytogenetic location: 2p13.1.
Variant type: Microsatellite.
Coding change: c.74_75insGGAAGAGGAGGAGGAGGAGGA on transcript NM_001378454.1 (MANE Select); coding-DNA positions 74 to 75, GGAAGAGGAGGAGGAGGAGGA inserted.
Protein change: p.Glu22_Glu28dup.
Molecular consequence: inframe insertion.
Genome position: GRCh38 VCF-style: chr2-73385925-G-GGAGGAGGAGGAGGAGGAGGAA. GRCh37 (hg19) VCF-style: chr2-73613053-G-GGAGGAGGAGGAGGAGGAGGAA.
Other names: c.77_78insGGAAGAGGAGGAGGAGGAGGA, p.Glu23_Glu29dup (NM_015120.4).
Identifiers: ClinVar variation 1414745 (VCV001414745.6), dbSNP rs2104057327.